The following is an entry in ClinVar:

ClinVar aggregate classification (germline): Pathogenic (1 of 4 stars; one submission).

Submission:

Illumina Laboratory Services, Illumina
Classification: Pathogenic. Last evaluated: 2019-08-07. Review status: criteria provided, single submitter. Criteria: ICSL CNVClassificationCriteria Jul2020Prior. Collection method: clinical testing. Allele origin: unknown.
Comment: This CNV is a 1.5 Mb deletion of 15q13.2q13.3 on chromosome 15, (seq[GRCh37]del(15)(q13.2q13.3); chr15:g.30935243_32445105del), found in a de novo state. The CNV constitutes a loss encompassing 11 genes, which are located between the BP4 and BP5 segmental duplication regions. This CNV overlaps the well-described 15q13.3 microdeletion syndrome. Over 100 cases with similar deletions have been described presenting with developmental delays, intellectual disability, seizures, behavioral problems, and additional phenotypes associated with the 15q13.3 microdeletion syndrome (Lowther et al. 2015; Hassfurther et al. 2016). In addition, smaller and larger CNVs have also been described which overlap this region. Variable expressivity of the syndrome has been observed, even within a family (Hassfurther et al. 2016). In addition, both studies suggest that the size of the CNV may not correlate to specific phenotypes (Lowther et al. 2015; Hassfurther et al. 2016). The 15q13.2-q13.3 deletion has not been reported in 28,318 published controls (Lowther et al. 2015). However, one study identified CNVs close in size to the region of interest in three controls from the Icelandic population; an additional 32 individuals also carried the CNV. Details about these 32 individuals and any effect of the CNV are unclear (Stefansson et al. 2014). Based on the collective evidence, this CNV is classified as pathogenic.

Literature cited by the submitters: PubMed 21290787; PubMed 24352232; PubMed 25077648; PubMed 26997942.

GRCh37/hg19 15q13.2-13.3(chr15:30935243-32445105)x1

Genes: CHRNA7 (cholinergic receptor nicotinic alpha 7 subunit), FAN1 (FANCD2 and FANCI associated nuclease 1; plus strand), KLF13 (KLF transcription factor 13; plus strand), MIR211 (microRNA 211; minus strand), MTMR10 (myotubularin related protein 10; minus strand) and 2 more. Cytogenetic location: 15q13.2-13.3.
Variant type: copy number loss.
Change: copy number 1 (one copy instead of two) of chr15:30,935,243-32,445,105 (1.51 Mb, GRCh37 coordinates, 1-based), cytogenetic band 15q13.2-13.3.
Identifiers: ClinVar variation 1180504 (VCV001180504.4).